The following is an entry in ClinVar:

NM_018129.4(PNPO):c.433C>T (p.Pro145Ser)

Gene: PNPO (pyridoxamine 5'-phosphate oxidase; plus strand). Cytogenetic location: 17q21.32.
Variant type: single nucleotide variant.
Coding change: c.433C>T on transcript NM_018129.4 (MANE Select); coding-DNA position 433, C replaced by T.
Protein change: p.Pro145Ser; replaces proline 145 with serine.
Molecular consequence: missense variant.
Genome position (GRCh38, 1-based): chr17:47,945,876, C>T. VCF-style: chr17-47945876-C-T. GRCh37 (hg19) VCF-style: chr17-46023242-C-T.
Other names: short protein forms P145S.
Identifiers: ClinVar variation 378404 (VCV000378404.10), dbSNP rs551097300, ClinGen allele CA8629197.
Genomic context (GRCh38, chr17:47,945,876, plus strand): 5'-GCAGGTGGCATTTAATGCCATTCACCCAGAGCCATCCCTGAGCAGGTGCGTGTGGAAGGC[C>T]CTGTGAAGAAACTGCCTGAGGAGGAGGCTGAGTGCTACTTCCACTCCCGCCCCAAGAGCA-3'
Protein context (NP_060599.1, residues 135-155): PLNRQVRVEG[Pro145Ser]VKKLPEEEAE

ClinVar aggregate classification (germline): Uncertain significance. Review status: criteria provided, multiple submitters, no conflicts (2 of 4 stars). 3 submissions from 3 submitters: Uncertain significance (3). Last evaluated 2024-03-25.

Conditions:
Inborn genetic diseases. Identifiers: MedGen C0950123, MeSH D030342.
Pyridoxal phosphate-responsive seizures (PNPOD). Also called: Pyridoxine-5'-phosphate oxidase deficiency; Pyridoxamine 5-Prime-Phosphate Oxidase Deficiency; Pyridoxal 5'-Phosphate (PLP)-Dependent Epilepsy; EPILEPTIC ENCEPHALOPATHY, NEONATAL, PNPO-RELATED; SEIZURES, PYRIDOXINE-RESISTANT, PLP-SENSITIVE. Identifiers: Orphanet 79096, MedGen C1864723, MONDO:0012407, OMIM 610090. Disease mechanism: loss of function.

Allele frequency attached by ClinVar (database versions not stated): 1000 Genomes Project 0.00020; gnomAD 0.00001; TOPMed 0.00001; gnomAD exomes 0.00004 and 0.00007; ExAC 0.00006; 1000 Genomes Project 30x 0.00016.

Submissions (3):

Ambry Genetics
Classification: Uncertain significance for Inborn genetic diseases. Last evaluated: 2024-03-25. Review status: criteria provided, single submitter. Criteria: Ambry Variant Classification Scheme 2023. Collection method: clinical testing. Allele origin: germline.

Labcorp Genetics (formerly Invitae), Labcorp
Classification: Uncertain significance for Pyridoxal phosphate-responsive seizures. Last evaluated: 2022-08-16. Review status: criteria provided, single submitter. Criteria: Invitae Variant Classification Sherloc (09022015). Collection method: clinical testing. Allele origin: germline.
Comment: This sequence change replaces proline, which is neutral and non-polar, with serine, which is neutral and polar, at codon 145 of the PNPO protein (p.Pro145Ser). This variant is present in population databases (rs551097300, gnomAD 0.05%). This variant has not been reported in the literature in individuals affected with PNPO-related conditions. ClinVar contains an entry for this variant (Variation ID: 378404). Algorithms developed to predict the effect of missense changes on protein structure and function output the following: SIFT: "Tolerated"; PolyPhen-2: "Benign"; Align-GVGD: "Class C0". The serine amino acid residue is found in multiple mammalian species, which suggests that this missense change does not adversely affect protein function. In summary, the available evidence is currently insufficient to determine the role of this variant in disease. Therefore, it has been classified as a Variant of Uncertain Significance.

GeneDx
Classification: Uncertain significance. Last evaluated: 2016-04-28. Review status: criteria provided, single submitter. Criteria: GeneDx Variant Classification (06012015). Collection method: clinical testing. Allele origin: germline. Affected: yes.
Comment: A variant of uncertain significance has been identified in the PNPO gene. The P145S variant has not been publishedas a pathogenic variant, nor has it been reported as a benign variant to our knowledge. It was not observed inapproximately 6,50 individuals of European and African American ancestry in the NHLBI Exome Sequencing Projectand was not observed with any significant frequency in the 1000 Genomes Project. The P145S variant is anon-conservative amino acid substitution, which is likely to impact secondary protein structure as these residues differin polarity, charge, size and/or other properties. However, this substitution occurs at a position that is not conserved.In silico analysis predicts this variant likely does not alter the protein structure/function. Therefore, based on thecurrently available information, it is unclear whether this variant is a pathogenic variant or a rare benign variant.